The following is an entry in ClinVar:

NM_000093.5(COL5A1):c.4554+1G>C

Genes: COL5A1 (collagen type V alpha 1 chain; plus strand), LOC101448202 (uncharacterized LOC101448202; minus strand). Cytogenetic location: 9q34.3.
Variant type: single nucleotide variant.
Coding change: c.4554+1G>C on transcript NM_000093.5 (MANE Select); the canonical splice donor site of the intron after coding-DNA position 4554, G replaced by C.
Molecular consequence: splice donor variant.
Genome position (GRCh38, 1-based): chr9:134,820,224, G>C. VCF-style: chr9-134820224-G-C. GRCh37 (hg19) VCF-style: chr9-137712070-G-C.
Other names: c.4554+1G>C (NM_001278074.1).
Identifiers: ClinVar variation 573977 (VCV000573977.8), dbSNP rs1564482508, ClinGen allele CA375457944.
Genomic context (GRCh38, chr9:134,820,224, plus strand): 5'-GAGAAGGGCGACCGTGGTCTCCCTGGCCCCCAGGGCTCCTCCGGTCCTAAGGGAGAACAG[G>C]TGCGTGAGATGGCACTTCTTGCATGTGGGCTGTCGAGAGGCATTTTAGATCCCTGGGGCA-3'

ClinVar aggregate classification (germline): Likely pathogenic (1 of 4 stars; one submission).

Conditions:
Ehlers-Danlos syndrome, classic type, 1 (EDSCL1). Also called: Ehlers-Danlos Syndrome, Classic Type, COL5A1-Related; EDS I; Ehlers-Danlos syndrome, type 1; EHLERS-DANLOS SYNDROME, GRAVIS TYPE; EHLERS-DANLOS SYNDROME, SEVERE CLASSIC TYPE. Identifiers: MedGen C0268335, MONDO:0019567, OMIM 130000.

Submission:

Labcorp Genetics (formerly Invitae), Labcorp
Classification: Likely pathogenic for Ehlers-Danlos syndrome, classic type, 1. Last evaluated: 2018-02-13. Review status: criteria provided, single submitter. Criteria: Invitae Variant Classification Sherloc (09022015). Collection method: clinical testing. Allele origin: germline.
Comment: This sequence change affects a donor splice site in intron 58 of the COL5A1 gene. It is expected to disrupt RNA splicing and likely results in an absent or disrupted protein product. In summary, the currently available evidence indicates that the variant is pathogenic, but additional data are needed to prove that conclusively. Therefore, this variant has been classified as Likely Pathogenic. Donor and acceptor splice site variants typically lead to a loss of protein function (PMID: 16199547), and loss-of-function variants in COL5A1 are known to be pathogenic (PMID: 23587214). Algorithms developed to predict the effect of sequence changes on RNA splicing suggest that this variant may disrupt the consensus splice site, but this prediction has not been confirmed by published transcriptional studies. This variant has not been reported in the literature in individuals with COL5A1-related disease. This variant is not present in population databases (ExAC no frequency).

Literature cited by the submitters: PubMed 16199547; PubMed 23587214.